The following is an entry in ClinVar:

NM_018972.4(GDAP1):c.1048G>A (p.Ala350Thr)

Gene: GDAP1 (ganglioside induced differentiation associated protein 1; plus strand). Cytogenetic location: 8q21.11.
Variant type: single nucleotide variant.
Coding change: c.1048G>A on transcript NM_018972.4 (MANE Select); coding-DNA position 1048, G replaced by A.
Protein change: p.Ala350Thr; replaces alanine 350 with threonine.
Molecular consequence: missense variant. On other transcripts: intron variant (1).
Genome position (GRCh38, 1-based): chr8:74,364,338, G>A. VCF-style: chr8-74364338-G-A. GRCh37 (hg19) VCF-style: chr8-75276573-G-A.
Other names: c.844G>A, p.Ala282Thr (NM_001040875.4); c.721G>A, p.Ala241Thr (NM_001362929.2, NM_001362932.2); c.874G>A, p.Ala292Thr (NM_001362930.2); c.694+1285G>A (NM_001362931.2); short protein forms A241T, A282T, A292T, A350T.
Identifiers: ClinVar variation 1945820 (VCV001945820.5), dbSNP rs1809521439, ClinGen allele CA371550815.
Genomic context (GRCh38, chr8:74,364,338, plus strand): 5'-GCAGGAGTGGGATATTTTGCTTTTATGCTTTTCAGAAAGAGGCTTGGCAGCATGATATTA[G>A]CATTTAGACCCAGACCAAATTATTTCTAGGTTTGTTGGGATCTTGTCGTGGCAGCTCATC-3'
Protein context (NP_061845.2, residues 340-358): FRKRLGSMIL[Ala350Thr]FRPRPNYF

ClinVar aggregate classification (germline): Uncertain significance (1 of 4 stars; one submission).

Conditions:
Charcot-Marie-Tooth disease type 4A. Also called: Charcot-Marie-Tooth disease, demyelinating, autosomal recessive, type 4a. Identifiers: Orphanet 99948, MedGen C1859198, MONDO:0008961, OMIM 214400.

Allele frequency attached by ClinVar (database versions not stated): TOPMed 0.00001.

Submission:

Labcorp Genetics (formerly Invitae), Labcorp
Classification: Uncertain significance for Charcot-Marie-Tooth disease type 4A. Last evaluated: 2022-06-14. Review status: criteria provided, single submitter. Criteria: Invitae Variant Classification Sherloc (09022015). Collection method: clinical testing. Allele origin: germline.
Comment: In summary, the available evidence is currently insufficient to determine the role of this variant in disease. Therefore, it has been classified as a Variant of Uncertain Significance. Advanced modeling of protein sequence and biophysical properties (such as structural, functional, and spatial information, amino acid conservation, physicochemical variation, residue mobility, and thermodynamic stability) performed at Invitae indicates that this missense variant is not expected to disrupt GDAP1 protein function. This variant has not been reported in the literature in individuals affected with GDAP1-related conditions. This variant is not present in population databases (gnomAD no frequency). This sequence change replaces alanine, which is neutral and non-polar, with threonine, which is neutral and polar, at codon 350 of the GDAP1 protein (p.Ala350Thr).